The following is an entry in ClinVar:

NM_000038.6(APC):c.4884G>A (p.Lys1628=)

Gene: APC (APC regulator of Wnt signaling pathway; plus strand). Cytogenetic location: 5q22.2.
Variant type: single nucleotide variant.
Coding change: c.4884G>A on transcript NM_000038.6 (MANE Select); coding-DNA position 4884, G replaced by A.
Protein change: p.Lys1628=; no amino-acid change (lysine 1628 retained).
Molecular consequence: synonymous variant. On other transcripts: non-coding transcript variant (2).
Genome position (GRCh38, 1-based): chr5:112,840,478, G>A. VCF-style: chr5-112840478-G-A. GRCh37 (hg19) VCF-style: chr5-112176175-G-A.
Other names: c.4884G>A (NM_000038.5); c.4884G>A, p.Lys1628= (NM_001127510.3, NM_001354895.2, NM_001407450.1); c.4830G>A, p.Lys1610= (NM_001127511.3); c.4938G>A, p.Lys1646= (NM_001354896.2, NM_001407447.1, NM_001407448.1 and 1 more transcripts); c.4914G>A, p.Lys1638= (NM_001354897.2); c.4809G>A, p.Lys1603= (NM_001354898.2); c.4800G>A, p.Lys1600= (NM_001354899.2); c.4761G>A, p.Lys1587= (NM_001354900.2); and 12 more.
Identifiers: ClinVar variation 2776406 (VCV002776406.6), dbSNP rs908764017, ClinGen allele CA125167791.

ClinVar aggregate classification (germline): Benign/Likely benign. Review status: criteria provided, multiple submitters, no conflicts (2 of 4 stars). 4 submissions from 4 submitters: Benign (1); Likely benign (3). Last evaluated 2026-09-09.

Conditions:
Hereditary cancer-predisposing syndrome. Also called: Hereditary Cancer Syndrome; Hereditary neoplastic syndrome; Neoplastic Syndromes, Hereditary; Tumor predisposition. Identifiers: Orphanet 140162, MedGen C0027672, MeSH D009386, MONDO:0015356.
Familial adenomatous polyposis 1 (FAP1). Also called: POLYPOSIS, ADENOMATOUS INTESTINAL; FAMILIAL ADENOMATOUS POLYPOSIS 1, ATTENUATED. Identifiers: MedGen C2713442, MONDO:0021056, OMIM 175100. Disease mechanism: loss of function.

Allele frequency attached by ClinVar (database versions not stated): gnomAD exomes below 0.00001.
gnomAD v4.1: 2 of 1,614,156 alleles (0.00012%); highest among the groups gnomAD compares: Non-Finnish European, 0.00017%; no homozygotes.

Submissions (4):

Ambry Genetics
Classification: Likely benign for Hereditary cancer-predisposing syndrome. Last evaluated: 2026-09-09. Review status: criteria provided, single submitter. Criteria: Ambry Variant Classification Scheme 2023. Collection method: clinical testing. Allele origin: germline.

Color Diagnostics, LLC DBA Color Health
Classification: Likely benign for Hereditary cancer-predisposing syndrome. Last evaluated: 2025-02-02. Review status: criteria provided, single submitter. Criteria: ACMG Guidelines, 2015. Collection method: clinical testing. Allele origin: germline.

Myriad Genetics, Inc.
Classification: Benign for Familial adenomatous polyposis 1. Last evaluated: 2024-03-28. Review status: criteria provided, single submitter. Criteria: Myriad Autosomal Dominant, Autosomal Recessive and X-Linked Classification Criteria (2023). Collection method: clinical testing. Allele origin: unknown.
Comment: This variant is considered benign. This variant is a silent/synonymous amino acid change and it is not expected to impact splicing.

Labcorp Genetics (formerly Invitae), Labcorp
Classification: Likely benign for Familial adenomatous polyposis 1. Last evaluated: 2023-02-17. Review status: criteria provided, single submitter. Criteria: Invitae Variant Classification Sherloc (09022015). Collection method: clinical testing. Allele origin: germline.